The following is an entry in ClinVar:

ClinVar aggregate classification (germline): Uncertain significance (1 of 4 stars; one submission).

Submission:

Ambry Genetics
Classification: Uncertain significance. Last evaluated: 2024-04-01. Review status: criteria provided, single submitter. Criteria: Ambry Variant Classification Scheme 2023. Collection method: clinical testing. Allele origin: germline.
Comment: The p.C206F variant (also known as c.617G>T), located in coding exon 5 of the RINT1 gene, results from a G to T substitution at nucleotide position 617. The cysteine at codon 206 is replaced by phenylalanine, an amino acid with highly dissimilar properties. This amino acid position is conserved. In addition, this alteration is predicted to be deleterious by in silico analysis. Based on the available evidence, the clinical significance of this alteration remains unclear.

NM_021930.6(RINT1):c.617G>T (p.Cys206Phe)

Gene: RINT1 (RAD50 interactor 1; plus strand). Cytogenetic location: 7q22.3.
Variant type: single nucleotide variant.
Coding change: c.617G>T on transcript NM_021930.6 (MANE Select); coding-DNA position 617, G replaced by T.
Protein change: p.Cys206Phe; replaces cysteine 206 with phenylalanine.
Molecular consequence: missense variant. On other transcripts: 5 prime UTR variant (2), non-coding transcript variant (1), intron variant (1).
Genome position (GRCh38, 1-based): chr7:105,547,011, G>T. VCF-style: chr7-105547011-G-T. GRCh37 (hg19) VCF-style: chr7-105187458-G-T.
Other names: c.383G>T, p.Cys128Phe (NM_001346599.2); c.-403G>T (NM_001346600.2); c.-306G>T (NM_001346601.2); c.-27-3044G>T (NM_001346603.2); short protein forms C206F, C128F.
Identifiers: ClinVar variation 3314441 (VCV003314441.1).